The following is an entry in ClinVar:

ClinVar aggregate classification (germline): Uncertain significance. Review status: criteria provided, multiple submitters, no conflicts (2 of 4 stars). 2 submissions from 2 submitters: Uncertain significance (2). Last evaluated 2024-02-29.

Conditions:
Deficiency of adenosine deaminase 2. Also called: VASCULITIS, AUTOINFLAMMATION, IMMUNODEFICIENCY, AND HEMATOLOGIC DEFECTS SYNDROME; Polyarteritis nodosa, childhoood-onset; Adenosine Deaminase 2 Deficiency. Identifiers: Orphanet 404553, MedGen C3887654, MONDO:0014306, OMIM 615688, MONDO:0100317.
Sneddon syndrome (SNDNS). Also called: Idiopathic livedo reticularis with systemic involvement; LIVEDO RETICULARIS AND CEREBROVASCULAR ACCIDENTS. Identifiers: Orphanet 820, MedGen C0282492, MONDO:0008436, OMIM 182410.

Allele frequency attached by ClinVar (database versions not stated): gnomAD 0.00003; TOPMed below 0.00001.
gnomAD v4.1: 9 of 1,614,100 alleles (0.00056%); highest among the groups gnomAD compares: Admixed American, 0.0033%; no homozygotes.

Submissions (2):

Fulgent Genetics
Classification: Uncertain significance for Sneddon syndrome; Deficiency of adenosine deaminase 2. Last evaluated: 2024-02-29. Review status: criteria provided, single submitter. Criteria: ACMG Guidelines, 2015. Collection method: clinical testing. Allele origin: germline.

Labcorp Genetics (formerly Invitae), Labcorp
Classification: Uncertain significance for Deficiency of adenosine deaminase 2. Last evaluated: 2022-06-09. Review status: criteria provided, single submitter. Criteria: Invitae Variant Classification Sherloc (09022015). Collection method: clinical testing. Allele origin: germline.
Comment: In summary, the available evidence is currently insufficient to determine the role of this variant in disease. Therefore, it has been classified as a Variant of Uncertain Significance. Algorithms developed to predict the effect of missense changes on protein structure and function output the following: SIFT: "Tolerated"; PolyPhen-2: "Benign"; Align-GVGD: "Class C0". The isoleucine amino acid residue is found in multiple mammalian species, which suggests that this missense change does not adversely affect protein function. This variant has not been reported in the literature in individuals affected with ADA2-related conditions. This variant is present in population databases (no rsID available, gnomAD 0.01%). This sequence change replaces methionine, which is neutral and non-polar, with isoleucine, which is neutral and non-polar, at codon 445 of the ADA2 protein (p.Met445Ile).

NM_001282225.2(ADA2):c.1335G>A (p.Met445Ile)

Gene: ADA2 (adenosine deaminase 2; minus strand). Cytogenetic location: 22q11.1.
Variant type: single nucleotide variant.
Coding change: c.1335G>A on transcript NM_001282225.2 (MANE Select); coding-DNA position 1335, G replaced by A.
Protein change: p.Met445Ile; replaces methionine 445 with isoleucine.
Molecular consequence: missense variant.
Genome position (GRCh38, 1-based): chr22:17,181,927, C>T on the plus strand (G>A on the coding strand, the complement: ADA2 is on the minus strand). VCF-style: chr22-17181927-C-T. GRCh37 (hg19) VCF-style: chr22-17662817-C-T.
Other names: c.1335G>A, p.Met445Ile (NM_001282226.2); c.1209G>A, p.Met403Ile (NM_001282227.2, NM_001282228.2); c.975G>A, p.Met325Ile (NM_001282229.2); c.612G>A, p.Met204Ile (NM_177405.3); short protein forms M204I, M325I, M403I, M445I.
Identifiers: ClinVar variation 1410063 (VCV001410063.10), dbSNP rs1265300292, ClinGen allele CA410231841.